The following is an entry in ClinVar:

ClinVar aggregate classification (germline): Uncertain significance. Review status: criteria provided, multiple submitters, no conflicts (2 of 4 stars). 2 submissions from 2 submitters: Uncertain significance (2). Last evaluated 2023-12-04.

Conditions:
Hereditary cancer-predisposing syndrome. Also called: Neoplastic Syndromes, Hereditary; Tumor predisposition; Hereditary Cancer Syndrome; Hereditary neoplastic syndrome. Identifiers: Orphanet 140162, MedGen C0027672, MeSH D009386, MONDO:0015356.

Submissions (2):

Color Diagnostics, LLC DBA Color Health
Classification: Uncertain significance for Hereditary cancer-predisposing syndrome. Last evaluated: 2023-12-04. Review status: criteria provided, single submitter. Criteria: ACMG Guidelines, 2015. Collection method: clinical testing. Allele origin: germline.
Comment: This missense variant replaces glutamic acid with aspartic acid at codon 713 of the ATM protein. Computational prediction suggests that this variant may not impact protein structure and function (internally defined REVEL score threshold <= 0.5, PMID: 27666373). To our knowledge, functional studies have not been reported for this variant. This variant has not been reported in individuals affected with ATM-related disorders in the literature. This variant has not been identified in the general population by the Genome Aggregation Database (gnomAD). The available evidence is insufficient to determine the role of this variant in disease conclusively. Therefore, this variant is classified as a Variant of Uncertain Significance.

Ambry Genetics
Classification: Uncertain significance for Hereditary cancer-predisposing syndrome. Last evaluated: 2022-11-14. Review status: criteria provided, single submitter. Criteria: Ambry Variant Classification Scheme 2023. Collection method: clinical testing. Allele origin: germline.
Comment: The p.E713D variant (also known as c.2139A>C), located in coding exon 13 of the ATM gene, results from an A to C substitution at nucleotide position 2139. The glutamic acid at codon 713 is replaced by aspartic acid, an amino acid with highly similar properties. This amino acid position is conserved. In addition, this alteration is predicted to be tolerated by in silico analysis. Since supporting evidence is limited at this time, the clinical significance of this alteration remains unclear.

NM_000051.4(ATM):c.2139A>C (p.Glu713Asp)

Gene: ATM (ATM serine/threonine kinase; plus strand). Cytogenetic location: 11q22.3.
Variant type: single nucleotide variant.
Coding change: c.2139A>C on transcript NM_000051.4 (MANE Select); coding-DNA position 2139, A replaced by C.
Protein change: p.Glu713Asp; replaces glutamic acid 713 with aspartic acid.
Molecular consequence: missense variant.
Genome position (GRCh38, 1-based): chr11:108,256,229, A>C. VCF-style: chr11-108256229-A-C. GRCh37 (hg19) VCF-style: chr11-108126956-A-C.
Other names: c.2139A>C, p.Glu713Asp (NM_001351834.2); short protein forms E713D.
Identifiers: ClinVar variation 925040 (VCV000925040.6), dbSNP rs2080473610, ClinGen allele CA382538685.